The following is an entry in ClinVar:

ClinVar aggregate classification (germline): Uncertain significance (1 of 4 stars; one submission).

Submission:

GeneDx
Classification: Uncertain significance. Last evaluated: 2024-01-04. Review status: criteria provided, single submitter. Criteria: GeneDx Variant Classification Process June 2021. Collection method: clinical testing. Allele origin: germline. Affected: yes.
Comment: Not observed at significant frequency in large population cohorts (gnomAD); In silico analysis supports that this missense variant has a deleterious effect on protein structure/function; Has not been previously published as pathogenic or benign to our knowledge

NM_019066.5(MAGEL2):c.2492T>G (p.Leu831Arg)

Gene: MAGEL2 (MAGE family member L2; minus strand). Cytogenetic location: 15q11.2.
Variant type: single nucleotide variant.
Coding change: c.2492T>G on transcript NM_019066.5 (MANE Select); coding-DNA position 2492, T replaced by G.
Protein change: p.Leu831Arg; replaces leucine 831 with arginine.
Molecular consequence: missense variant.
Genome position (GRCh38, 1-based): chr15:23,645,251, A>C on the plus strand (T>G on the coding strand, the complement: MAGEL2 is on the minus strand). VCF-style: chr15-23645251-A-C. GRCh37 (hg19) VCF-style: chr15-23890398-A-C.
Other names: short protein forms L831R.
Identifiers: ClinVar variation 3367545 (VCV003367545.1).